The following is an entry in ClinVar:

ClinVar aggregate classification (germline): Pathogenic. Review status: reviewed by expert panel (3 of 4 stars). 15 submissions from 14 submitters: Pathogenic (1). 14 of the submissions do not count toward it. Last evaluated 2025-10-07.

Conditions:
von Willebrand disorder (VWD). Also called: von Willebrand Diseases; Von Willebrand disease (hereditary or acquired); von Willebrand's disease. Identifiers: MedGen C0042974, MeSH D014842, MONDO:0024574.
Hereditary von Willebrand disease. Identifiers: Orphanet 903, MedGen C5703318, MONDO:0019565. Inheritance: Autosomal recessive or Autosomal dominant.
von Willebrand disease type 2 (VWD2). Also called: VWD, TYPE 2; VON WILLEBRAND DISEASE, TYPE 2A/IIE; VON WILLEBRAND DISEASE, TYPE 2CB; VON WILLEBRAND DISEASE, TYPE II. Identifiers: Orphanet 166081, Orphanet 903, MedGen C1264040, MONDO:0013304, OMIM 613554.
von Willebrand disease type 2M (VWD2M). Identifiers: Orphanet 166090, MedGen C1282974, MONDO:0015630.

Allele frequency attached by ClinVar (database versions not stated): ExAC 0.00002; gnomAD exomes 0.00002 and 0.00004; TOPMed 0.00008; gnomAD 0.00009 and 0.00010.
gnomAD v4.1: 83 of 1,613,776 alleles (0.0051%); highest among the groups gnomAD compares: African/African-American, 0.011%; no homozygotes.

Submissions 1 to 7 of 15:

ClinGen von Willebrand Disease Variant Curation Expert Panel, ClinGen
Classification: Pathogenic for von Willebrand disease type 2M. Last evaluated: 2025-10-07. Review status: reviewed by expert panel. Criteria: ClinGen VWD 2A B M Rules. Collection method: curation. Allele origin: germline. Inheritance: Autosomal dominant inheritance.
Comment: The NM_000552.5(VWF):c.4195C>T (p.Arg1399Cys) missense variant has been reported in a proband displaying excessive mucocutaneous bleeding as well as laboratory phenotypes of low VWF:RCo/VWF:Ag ratio (0.67), abnormal collagen binding assay, and normal high molecular weight multimer pattern, which together are highly specific for VWD type 2M (PP4_moderate, PMID: 28083987). This variant has been reported in at least 10 additional probands meeting PP4 laboratory phenotype criteria for type 2M VWD (PS4_VS; PMID: 17000885, PMID: 26988807, PMID: 35452508, PMID: 34758185, Internal Laboratory Contributors). The computational predictor REVEL gives a score of 0.712, which is above the ClinGen VWD VCEP threshold of >0.644 and predicts a damaging effect on VWF function (PP3). The Grpmax allele frequency in gnomAD v4.1 is 0.00005281 (8/74886 alleles) in the African/African American population, which is lower than the ClinGen VWD VCEP threshold of <0.0001 (PM2_Supporting). In summary, the variant meets the criteria to be classified as Pathogenic for von Willebrand disease Type 2M based on the ACMG/AMP criteria applied, as specified by the ClinGen VWD VCEP: PS4_Very Strong, PP4_Moderate, PP3, and PM2_Supporting. (VCEP Rule specifications for von Willebrand disease type 2A, 2B and 2M v1.0.0)

GeneDx
Classification: Likely pathogenic. Last evaluated: 2025-05-04. Review status: criteria provided, single submitter. Criteria: GeneDx Variant Classification Process June 2021. Collection method: clinical testing. Allele origin: germline. Affected: yes. Not counted in ClinVar's aggregate classification.
Comment: Functional studies demonstrated reduced ristocetin cofactor activity, reduced collagen type III and collage type VI binding and a smeared appearance of the multimer on electrophoresis (PMID: 28083987); In silico analysis indicates that this missense variant does not alter protein structure/function; This variant is associated with the following publications: (PMID: 22207689, 11154147, 19506359, 28536718, 17000885, 11683782, 26827609, 34272389, 38053262, 38315875, 36696193, 37647632, 34758185, 35452508, 28083987, 40242192, 26988807, 31064749)

ARUP Laboratories, Molecular Genetics and Genomics, ARUP Laboratories
Classification: Likely pathogenic. Last evaluated: 2024-09-19. Review status: criteria provided, single submitter. Criteria: ARUP Molecular Germline Variant Investigation Process 2024. Collection method: clinical testing. Allele origin: germline. Not counted in ClinVar's aggregate classification.
Comment: The VWF c.4195C>T; p.Arg1399Cys variant (rs61750077) is reported in the literature in multiple individuals affected with an unclassifiable type of von Willebrand disease (Fidalgo 2016, Michiels 2006, Schneppenheim 2007, Wang 2012) and in individuals with von Willebrand type 2M (Gadisseur 2009, Veyradier 2016). This variant is reported in ClinVar (Variation ID: 100337), is found in the general population with an overall allele frequency of 0.003% (8/282,104 alleles) in the Genome Aggregation Database (v2.1.1). Computational analyses predict that this variant is deleterious (REVEL: 0.712). In vitro functional analyses demonstrate a smeary multimer pattern that suggests the introduced cysteine residue may interfere with disulfide bonds (Fidalgo 2016, Schneppenheim 2007), and at least one patient had vWF activity below the level of detection (Michiels 2006). Based on available information, this variant is considered to be likely pathogenic. References: Fidalgo T et al. Genotype-phenotype correlation in a cohort of Portuguese patients comprising the entire spectrum of VWD types: impact of NGS. Thromb Haemost. 2016 Jul 4;116(1):17-31. PMID: 28083987. Gadisseur A et al. Dominant von Willebrand disease type 2M and 2U are variable expressions of one distinct disease entity caused by loss-of-function mutations in the A1 domain of the von Willebrand factor gene. Acta Haematol. 2009;121(2-3):145-53. PMID: 19506361. Michiels JJ et al. Classification and characterization of hereditary types 2A, 2B, 2C, 2D, 2E, 2M, 2N, and 2U (unclassifiable) von Willebrand disease. Clin Appl Thromb Hemost. 2006 Oct;12(4):397-420. PMID: 17000885. Schneppenheim R et al. Molecular Background of â€œSmearyâ€ von Willebrand Factor Multimers. Blood. 2007 110(11):2711. Veyradier A et al. A Laboratory Phenotype/Genotype Correlation of 1167 French Patients From 670 Families With von Willebrand Disease: A New Epidemiologic Picture. Medicine (Baltimore). 2016 Mar;95(11):e3038. PMID: 26986123. Wang JW et al. Biogenesis of Weibel-Palade bodies in von Willebrand's disease variants with impaired von Willebrand factor intrachain or interchain disulfide bond formation. Haematologica. 2012 Jun;97(6):859-66. PMID: 22207689.

Women's Health and Genetics/Laboratory Corporation of America, LabCorp
Classification: Pathogenic for von Willebrand disorder. Last evaluated: 2024-07-09. Review status: criteria provided, single submitter. Criteria: LabCorp Variant Classification Summary - May 2015. Collection method: clinical testing. Allele origin: germline. Not counted in ClinVar's aggregate classification.
Comment: Variant summary: VWF c.4195C>T (p.Arg1399Cys) results in a non-conservative amino acid change located in the von Willebrand factor, type A domain (IPR002035) of the encoded protein sequence. Five of five in-silico tools predict a damaging effect of the variant on protein function. The variant allele was found at a frequency of 2.4e-05 in 250734 control chromosomes. c.4195C>T has been reported in the literature in individuals affected with Von Willebrand Disease (e.g: Gadisseur_2009, Fidalgo_2016, Downes_2019, Van Laer_2023, Maas_2022). These data indicate that the variant is very likely to be associated with disease. To our knowledge, no experimental evidence demonstrating an impact on protein function has been reported. The following publications have been ascertained in the context of this evaluation (PMID: 31064749, 19506361, 34758185, 36696193, 26986123). ClinVar contains an entry for this variant (Variation ID: 100337). Based on the evidence outlined above, the variant was classified as pathogenic.

Mayo Clinic Laboratories, Mayo Clinic
Classification: Likely pathogenic. Last evaluated: 2023-08-28. Review status: criteria provided, single submitter. Criteria: ACMG Guidelines, 2015. Collection method: clinical testing. Allele origin: germline. Observed: 1 variant allele. Not counted in ClinVar's aggregate classification.
Comment: PP4, PP5, PM1_supporting, PS3, PS4_moderate

Baylor Genetics
Classification: Likely pathogenic for von Willebrand disease type 2. Last evaluated: 2023-05-10. Review status: criteria provided, single submitter. Criteria: ACMG Guidelines, 2015. Collection method: clinical testing. Allele origin: unknown. Not counted in ClinVar's aggregate classification.

Laboratory for Molecular Medicine, Mass General Brigham Personalized Medicine
Classification: Likely pathogenic for Hereditary von Willebrand disease. Last evaluated: 2023-02-02. Review status: criteria provided, single submitter. Criteria: ACMG Guidelines, 2015. Collection method: clinical testing. Allele origin: germline. Not counted in ClinVar's aggregate classification.
Comment: The p.Arg1399Cys (c.4195C>T) variant in VWF has been reported in at least 10 individuals with von Willebrand disease (Schneppenheim 2007, Maas 2022 PMID: 34758185, Fidalgo 2017 PMID: 28083987, Fidalgo 2016 PMID: 26988807, Downes 2019 PMID: 31064749, Baz 2021 PMID: 34272389). It has also been identified in 0.019%% (8/41414) of African/African American chromosomes by gnomAD. Please note that for diseases with clinical variability or reduced penetrance, pathogenic variants may be present at a low frequency in the general population. This variant has also been reported in ClinVar (Variation ID 100337). Computational prediction tools and conservation analyses do not provide strong support for or against an impact to the protein. Laboratory data from patients in the studies cited above including platelet aggregation and VWF multimer analysis provides some evidence that this variant impacts protein function. In summary, although additional studies are required to fully establish its clinical significance, this variant meets criteria to be classified as likely pathogenic for autosomal dominant von Willebrand disease. ACMG/AMP Criteria applied: PS3, PS4_Moderate.

NM_000552.5(VWF):c.4195C>T (p.Arg1399Cys)

Gene: VWF (von Willebrand factor; minus strand). Cytogenetic location: 12p13.31.
Variant type: single nucleotide variant.
Coding change: c.4195C>T on transcript NM_000552.5 (MANE Select); coding-DNA position 4195, C replaced by T.
Protein change: p.Arg1399Cys; replaces arginine 1399 with cysteine.
Molecular consequence: missense variant.
Genome position (GRCh38, 1-based): chr12:6,019,223, G>A on the plus strand (C>T on the coding strand, the complement: VWF is on the minus strand). VCF-style: chr12-6019223-G-A. GRCh37 (hg19) VCF-style: chr12-6128389-G-A.
Other names: p.Arg1399Cys; NM_000552.5(VWF):c.4195C>T; short protein forms R1399C.
Identifiers: ClinVar variation 100337 (VCV000100337.29), dbSNP rs61750077, ClinGen allele CA228555.